The following is an entry in ClinVar:

NM_030662.4(MAP2K2):c.899C>A (p.Pro300His)

Gene: MAP2K2 (mitogen-activated protein kinase kinase 2; minus strand). Cytogenetic location: 19p13.3.
Variant type: single nucleotide variant.
Coding change: c.899C>A on transcript NM_030662.4 (MANE Select); coding-DNA position 899, C replaced by A.
Protein change: p.Pro300His; replaces proline 300 with histidine.
Molecular consequence: missense variant.
Genome position (GRCh38, 1-based): chr19:4,099,221, G>T on the plus strand (C>A on the coding strand, the complement: MAP2K2 is on the minus strand). VCF-style: chr19-4099221-G-T. GRCh37 (hg19) VCF-style: chr19-4099219-G-T.
Other names: short protein forms P300H.
Identifiers: ClinVar variation 1765375 (VCV001765375.7), dbSNP rs1370620009, ClinGen allele CA403385191.
Genomic context (GRCh38, chr19:4,099,221, plus strand): 5'-ACTGCGCGTCCAGACCGGAAGTTGCAGATTCAGGCCGTACCGCTGACGGGGCGCCCGGGG[G>T]GCCTCGGCCGAGGCGAGATGCTGTGAGGCTCTCCTTCTTCCCCGTCGACCACGGGCCGGC-3'
Protein context (NP_109587.1, residues 290-310): EPHSISPRPR[Pro300His]PGRPVSGHGM

ClinVar aggregate classification (germline): Uncertain significance. Review status: criteria provided, multiple submitters, no conflicts (2 of 4 stars). 2 submissions from 2 submitters: Uncertain significance (2). Last evaluated 2024-10-02.

Conditions:
RASopathy. Also called: rasopathies; Noonan spectrum disorder. Identifiers: Orphanet 536391, MedGen C5555857, MONDO:0021060.
Cardiovascular phenotype. Identifiers: MedGen CN230736.

Allele frequency attached by ClinVar (database versions not stated): TOPMed below 0.00001.

Submissions (2):

Labcorp Genetics (formerly Invitae), Labcorp
Classification: Uncertain significance for RASopathy. Last evaluated: 2024-10-02. Review status: criteria provided, single submitter. Criteria: Invitae Variant Classification Sherloc (09022015). Collection method: clinical testing. Allele origin: germline.
Comment: This sequence change replaces proline, which is neutral and non-polar, with histidine, which is basic and polar, at codon 300 of the MAP2K2 protein (p.Pro300His). This variant is not present in population databases (gnomAD no frequency). This variant has not been reported in the literature in individuals affected with MAP2K2-related conditions. ClinVar contains an entry for this variant (Variation ID: 1765375). Invitae Evidence Modeling of protein sequence and biophysical properties (such as structural, functional, and spatial information, amino acid conservation, physicochemical variation, residue mobility, and thermodynamic stability) indicates that this missense variant is not expected to disrupt MAP2K2 protein function with a negative predictive value of 95%. In summary, the available evidence is currently insufficient to determine the role of this variant in disease. Therefore, it has been classified as a Variant of Uncertain Significance.

Ambry Genetics
Classification: Uncertain significance for Cardiovascular phenotype. Last evaluated: 2022-08-17. Review status: criteria provided, single submitter. Criteria: Ambry Variant Classification Scheme 2023. Collection method: clinical testing. Allele origin: germline.
Comment: The p.P300H variant (also known as c.899C>A), located in coding exon 7 of the MAP2K2 gene, results from a C to A substitution at nucleotide position 899. The proline at codon 300 is replaced by histidine, an amino acid with similar properties. This amino acid position is conserved. In addition, the in silico prediction for this alteration is inconclusive. Since supporting evidence is limited at this time, the clinical significance of this alteration remains unclear.